The following is an entry in ClinVar:

NM_001126108.2(SLC12A3):c.2720+1G>C

Gene: SLC12A3 (solute carrier family 12 member 3; plus strand). Cytogenetic location: 16q13.
Variant type: single nucleotide variant.
Coding change: c.2720+1G>C on transcript NM_001126108.2 (MANE Select); the canonical splice donor site of the intron after coding-DNA position 2720, G replaced by C.
Molecular consequence: splice donor variant.
Genome position (GRCh38, 1-based): chr16:56,899,617, G>C. VCF-style: chr16-56899617-G-C. GRCh37 (hg19) VCF-style: chr16-56933529-G-C.
Other names: c.2747+1G>C (NM_000339.3); c.2744+1G>C (NM_001126107.2); c.2717+1G>C (NM_001410896.1).
Identifiers: ClinVar variation 1459119 (VCV001459119.9), dbSNP rs1347239469, ClinGen allele CA395999417.
Genomic context (GRCh38, chr16:56,899,617, plus strand): 5'-ACTGGGATTCCATGAAGTCCACATCCTCCCTGACATCAACCAGAACCCTCGGGCTGAGCA[G>C]TAAGTTCTGTTTTGGGGCTTCCAGGCAGAAGGGCCAACTGTGTGCCTGGAGACCCCTCTG-3'

ClinVar aggregate classification (germline): Pathogenic. Review status: criteria provided, multiple submitters, no conflicts (2 of 4 stars). 2 submissions from 2 submitters: Pathogenic (2). Last evaluated 2023-08-31.

Conditions:
Familial hypokalemia-hypomagnesemia (GTLMNS). Also called: HYPOMAGNESEMIA-HYPOKALEMIA, PRIMARY RENOTUBULAR, WITH HYPOCALCIURIA; POTASSIUM AND MAGNESIUM DEPLETION; gitelman syndrome. Identifiers: Orphanet 358, MedGen C0268450, MONDO:0009904, OMIM 263800.

Allele frequency attached by ClinVar (database versions not stated): gnomAD exomes 0.00001 and below 0.00001; TOPMed below 0.00001.
gnomAD v4.1: 7 of 1,612,184 alleles (0.00043%); highest among the groups gnomAD compares: Non-Finnish European, 0.00059%; no homozygotes.

Submissions (2):

Labcorp Genetics (formerly Invitae), Labcorp
Classification: Pathogenic. Last evaluated: 2023-08-31. Review status: criteria provided, single submitter. Criteria: Invitae Variant Classification Sherloc (09022015). Collection method: clinical testing. Allele origin: germline.
Comment: This sequence change affects a donor splice site in intron 23 of the SLC12A3 gene. It is expected to disrupt RNA splicing. Variants that disrupt the donor or acceptor splice site typically lead to a loss of protein function (PMID: 16199547), and loss-of-function variants in SLC12A3 are known to be pathogenic (PMID: 20848653, 22009145, 25841442). This variant is present in population databases (no rsID available, gnomAD 0.0009%). Disruption of this splice site has been observed in individual(s) with Gitelman syndrome (PMID: 21753071, 31672324). In at least one individual the data is consistent with being in trans (on the opposite chromosome) from a pathogenic variant. ClinVar contains an entry for this variant (Variation ID: 1459119). Algorithms developed to predict the effect of sequence changes on RNA splicing suggest that this variant may disrupt the consensus splice site. For these reasons, this variant has been classified as Pathogenic.

Fulgent Genetics
Classification: Pathogenic for Familial hypokalemia-hypomagnesemia. Last evaluated: 2021-11-04. Review status: criteria provided, single submitter. Criteria: ACMG Guidelines, 2015. Collection method: clinical testing. Allele origin: unknown.

Literature cited by the submitters: PubMed 16199547 (cited by Labcorp Genetics (formerly Invitae), Labcorp); PubMed 20848653 (cited by Labcorp Genetics (formerly Invitae), Labcorp); PubMed 22009145 (cited by Labcorp Genetics (formerly Invitae), Labcorp); PubMed 25841442 (cited by Labcorp Genetics (formerly Invitae), Labcorp); PubMed 21753071 (cited by Labcorp Genetics (formerly Invitae), Labcorp); PubMed 31672324 (cited by Labcorp Genetics (formerly Invitae), Labcorp).